The following is an entry in ClinVar:

NC_000022.10:g.(?_40741451)_(40859231_?)dup

Genes: ADSL (adenylosuccinate lyase; plus strand), MRTFA (myocardin related transcription factor A; minus strand), SGSM3 (small G protein signaling modulator 3; plus strand). Cytogenetic location: 22q13.1.
Variant type: Duplication.
Identifiers: ClinVar variation 2426625 (VCV002426625.4).

ClinVar aggregate classification (germline): Uncertain significance (1 of 4 stars; one submission).

Submission:

Labcorp Genetics (formerly Invitae), Labcorp
Classification: Uncertain significance. Last evaluated: 2022-08-03. Review status: criteria provided, single submitter. Criteria: Invitae Variant Classification Sherloc (09022015). Collection method: clinical testing. Allele origin: germline.
Comment: A copy number gain of the genomic region encompassing the full coding sequence of the MKL1 gene has been identified. The boundaries of this event are unknown as they extend beyond the assayed region for this gene and therefore may encompass additional genes. As the precise location of this event is unknown, it may be in tandem or it may be located elsewhere in the genome. This variant has not been reported in the literature in individuals affected with MKL1-related conditions. Experimental studies and prediction algorithms are not available or were not evaluated, and the functional significance of this variant is currently unknown. In summary, the available evidence is currently insufficient to determine the role of this variant in disease. Therefore, it has been classified as a Variant of Uncertain Significance.